The following is an entry in ClinVar:

ClinVar aggregate classification (germline): Uncertain significance (1 of 4 stars; one submission).

Conditions:
Mosaic variegated aneuploidy syndrome 2 (MVA2). Identifiers: Orphanet 1052, MedGen C3279843, MONDO:0013582, OMIM 614114.

Allele frequency attached by ClinVar (database versions not stated): gnomAD exomes 0.00002 and 0.00004; gnomAD 0.00003; TOPMed 0.00003; ExAC 0.00004.

Submission:

Labcorp Genetics (formerly Invitae), Labcorp
Classification: Uncertain significance for Mosaic variegated aneuploidy syndrome 2. Last evaluated: 2026-01-29. Review status: criteria provided, single submitter. Criteria: Invitae Variant Classification Sherloc (09022015). Collection method: clinical testing. Allele origin: germline.
Comment: This sequence change replaces valine, which is neutral and non-polar, with isoleucine, which is neutral and non-polar, at codon 391 of the CEP57 protein (p.Val391Ile). This variant is present in population databases (rs776303543, gnomAD 0.04%). This variant has not been reported in the literature in individuals affected with CEP57-related conditions. ClinVar contains an entry for this variant (Variation ID: 1434355). Invitae Evidence Modeling of protein sequence and biophysical properties (such as structural, functional, and spatial information, amino acid conservation, physicochemical variation, residue mobility, and thermodynamic stability) indicates that this missense variant is not expected to disrupt CEP57 protein function with a negative predictive value of 80%. In summary, the available evidence is currently insufficient to determine the role of this variant in disease. Therefore, it has been classified as a Variant of Uncertain Significance.

NM_014679.5(CEP57):c.1171G>A (p.Val391Ile)

Gene: CEP57 (centrosomal protein 57; plus strand). Cytogenetic location: 11q21.
Variant type: single nucleotide variant.
Coding change: c.1171G>A on transcript NM_014679.5 (MANE Select); coding-DNA position 1171, G replaced by A.
Protein change: p.Val391Ile; replaces valine 391 with isoleucine.
Molecular consequence: missense variant.
Genome position (GRCh38, 1-based): chr11:95,829,230, G>A. VCF-style: chr11-95829230-G-A. GRCh37 (hg19) VCF-style: chr11-95562394-G-A.
Other names: c.1090G>A, p.Val364Ile (NM_001363604.2); c.1144G>A, p.Val382Ile (NM_001243776.2); c.1093G>A, p.Val365Ile (NM_001243777.2); short protein forms V364I, V365I, V382I, V391I.
Identifiers: ClinVar variation 1434355 (VCV001434355.6), dbSNP rs776303543, ClinGen allele CA6239726.